The following is an entry in ClinVar:

NM_005630.3(SLCO2A1):c.1602C>A (p.Asn534Lys)

Gene: SLCO2A1 (solute carrier organic anion transporter family member 2A1; minus strand). Cytogenetic location: 3q22.1.
Variant type: single nucleotide variant.
Coding change: c.1602C>A on transcript NM_005630.3 (MANE Select); coding-DNA position 1602, C replaced by A.
Protein change: p.Asn534Lys; replaces asparagine 534 with lysine.
Molecular consequence: missense variant.
Genome position (GRCh38, 1-based): chr3:133,942,628, G>T on the plus strand (C>A on the coding strand, the complement: SLCO2A1 is on the minus strand). VCF-style: chr3-133942628-G-T. GRCh37 (hg19) VCF-style: chr3-133661472-G-T.
Other names: short protein forms N534K.
Identifiers: ClinVar variation 4891235 (VCV004891235.1).

ClinVar aggregate classification (germline): Likely pathogenic (1 of 4 stars; one submission).

Conditions:
Hypertrophic osteoarthropathy, primary, autosomal dominant. Also called: PACHYDERMOPERIOSTOSIS, AUTOSOMAL DOMINANT; PDP, AUTOSOMAL DOMINANT; PHO, AUTOSOMAL DOMINANT; PHOAD. Identifiers: Orphanet 2796, MedGen C2674695, MONDO:0008172, OMIM 167100.

gnomAD v4.1: 3 of 1,613,686 alleles (0.00019%); highest among the groups gnomAD compares: East Asian, 0.0022%; no homozygotes.

Submission:

Department of Traditional Chinese Medicine, Fujian Provincial Hospital
Classification: Likely pathogenic for Hypertrophic osteoarthropathy, primary, autosomal dominant. Review status: criteria provided, single submitter. Criteria: ACMG Guidelines, 2015. Collection method: research. Allele origin: inherited.
Comment: The SLCO2A1 c.1602C>A variant is predicted to result in the substitution of asparagine by lysine at codon 534, p.(Asn534Lys). SLCO2A1 encodes the prostaglandin transporter OATP2A1, which is involved in the cellular uptake and metabolic clearance of prostaglandin E2. Biallelic loss-of-function or damaging variants in SLCO2A1 are an established cause of autosomal recessive primary hypertrophic osteoarthropathy type 2. The p.(Asn534Lys) variant has previously been identified in multiple unrelated individuals with primary hypertrophic osteoarthropathy. The same variant was also reported in another study of unrelated Chinese families with primary hypertrophic osteoarthropathy, in which Asn534 was shown to be evolutionarily conserved and the amino acid substitution was predicted to be damaging (PMID: 24153155). More recently, the variant was identified in trans with SLCO2A1 c.611C>T, p.(Ser204Leu), with the two variants inherited from different parents in another affected individual with a characteristic clinical and radiographic phenotype (DOI: 10.12376/j.issn.2097-0501.2024.02.014). The clinical manifestations of the present patient, including primary hypertrophic osteoarthropathy, are highly consistent with the established SLCO2A1-related phenotype. No well-established variant-specific functional study directly evaluating prostaglandin transport by p.(Asn534Lys) is currently available. Based on its repeated observation in affected individuals in trans with another disease-associated SLCO2A1 variant, conservation of the affected residue, computational evidence and phenotype specificity, this variant meets ACMG/AMP criteria PM3_Strong, PP3 and PP4 and is classified as likely pathogenic for autosomal recessive primary hypertrophic osteoarthropathy type 2.

Literature cited by the submitters: PubMed 23531451; PubMed 24153155.